The following is an entry in ClinVar:

ClinVar aggregate classification (germline): Uncertain significance. Review status: criteria provided, multiple submitters, no conflicts (2 of 4 stars). 3 submissions from 3 submitters: Uncertain significance (3). Last evaluated 2025-10-15.

Conditions:
Inborn genetic diseases. Identifiers: MedGen C0950123, MeSH D030342.

Allele frequency attached by ClinVar (database versions not stated): TOPMed below 0.00001; ExAC 0.00001; gnomAD exomes 0.00003; gnomAD 0.00001.
gnomAD v4.1: 44 of 1,613,962 alleles (0.0027%); highest among the groups gnomAD compares: South Asian, 0.0088%; no homozygotes.

Submissions (3):

Ambry Genetics
Classification: Uncertain significance for Inborn genetic diseases. Last evaluated: 2025-10-15. Review status: criteria provided, single submitter. Criteria: Ambry Variant Classification Scheme 2023. Collection method: clinical testing. Allele origin: germline.

GeneDx
Classification: Uncertain significance. Last evaluated: 2024-08-21. Review status: criteria provided, single submitter. Criteria: GeneDx Variant Classification Process June 2021. Collection method: clinical testing. Allele origin: germline. Affected: yes.
Comment: In silico analysis supports that this missense variant has a deleterious effect on protein structure/function; Has not been previously published as pathogenic or benign to our knowledge

Labcorp Genetics (formerly Invitae), Labcorp
Classification: Uncertain significance. Last evaluated: 2022-12-02. Review status: criteria provided, single submitter. Criteria: Invitae Variant Classification Sherloc (09022015). Collection method: clinical testing. Allele origin: germline.
Comment: Algorithms developed to predict the effect of missense changes on protein structure and function (SIFT, PolyPhen-2, Align-GVGD) all suggest that this variant is likely to be disruptive. In summary, the available evidence is currently insufficient to determine the role of this variant in disease. Therefore, it has been classified as a Variant of Uncertain Significance. ClinVar contains an entry for this variant (Variation ID: 1363485). This variant has not been reported in the literature in individuals affected with CUL7-related conditions. This variant is present in population databases (rs780878899, gnomAD 0.006%). This sequence change replaces arginine, which is basic and polar, with cysteine, which is neutral and slightly polar, at codon 1094 of the CUL7 protein (p.Arg1094Cys).

NM_014780.5(CUL7):c.3280C>T (p.Arg1094Cys)

Gene: CUL7 (cullin 7; minus strand). Cytogenetic location: 6p21.1.
Variant type: single nucleotide variant.
Coding change: c.3280C>T on transcript NM_014780.5 (MANE Select); coding-DNA position 3280, C replaced by T.
Protein change: p.Arg1094Cys; replaces arginine 1094 with cysteine.
Molecular consequence: missense variant.
Genome position (GRCh38, 1-based): chr6:43,043,523, G>A on the plus strand (C>T on the coding strand, the complement: CUL7 is on the minus strand). VCF-style: chr6-43043523-G-A. GRCh37 (hg19) VCF-style: chr6-43011261-G-A.
Other names: c.3376C>T, p.Arg1126Cys (NM_001168370.2, NM_001374872.1); c.3280C>T, p.Arg1094Cys (NM_001374873.1, NM_001374874.1); c.3280C>T (NM_014780.4); short protein forms R1094C, R1126C.
Identifiers: ClinVar variation 1363485 (VCV001363485.8), dbSNP rs780878899, ClinGen allele CA3813536.